The following is an entry in ClinVar:

NM_001365951.3(KIF1B):c.3266A>T (p.Lys1089Met)

Gene: KIF1B (kinesin family member 1B; plus strand). Cytogenetic location: 1p36.22.
Variant type: single nucleotide variant.
Coding change: c.3266A>T on transcript NM_001365951.3 (MANE Select); coding-DNA position 3266, A replaced by T.
Protein change: p.Lys1089Met; replaces lysine 1089 with methionine.
Molecular consequence: missense variant.
Genome position (GRCh38, 1-based): chr1:10,337,377, A>T. VCF-style: chr1-10337377-A-T. GRCh37 (hg19) VCF-style: chr1-10397435-A-T.
Other names: c.3266A>T, p.Lys1089Met (NM_001365952.1); c.3128A>T, p.Lys1043Met (NM_015074.3); short protein forms K1043M, K1089M.
Identifiers: ClinVar variation 1389909 (VCV001389909.8), dbSNP rs1652219026, ClinGen allele CA338340240.
Genomic context (GRCh38, chr1:10,337,377, plus strand): 5'-TCCCTCCTCTTTGCATTATTTGAACCATCTGTGTCTTCATTTGACCCTCTTTAGATTTGA[A>T]GTCAAGCACTTTGCTGGATGGTAAGATGGTAATGGAAGGGTTTTCTGAAGAGATTGGCAA-3'
Protein context (NP_001352880.1, residues 1079-1099): EISRINDLDL[Lys1089Met]SSTLLDGKMV

ClinVar aggregate classification (germline): Uncertain significance (1 of 4 stars; one submission).

Conditions:
Charcot-Marie-Tooth disease type 2. Also called: Charcot-Marie-Tooth type 2. Identifiers: Orphanet 64746, MedGen C0270914, MONDO:0018993.

Submission:

Labcorp Genetics (formerly Invitae), Labcorp
Classification: Uncertain significance for Charcot-Marie-Tooth disease type 2. Last evaluated: 2025-05-05. Review status: criteria provided, single submitter. Criteria: Invitae Variant Classification Sherloc (09022015). Collection method: clinical testing. Allele origin: germline.
Comment: This sequence change replaces lysine, which is basic and polar, with methionine, which is neutral and non-polar, at codon 1043 of the KIF1B protein (p.Lys1043Met). This variant is not present in population databases (gnomAD no frequency). This variant has not been reported in the literature in individuals affected with KIF1B-related conditions. ClinVar contains an entry for this variant (Variation ID: 1389909). An algorithm developed to predict the effect of missense changes on protein structure and function (PolyPhen-2) suggests that this variant is likely to be disruptive. In summary, the available evidence is currently insufficient to determine the role of this variant in disease. Therefore, it has been classified as a Variant of Uncertain Significance.